The following is an entry in ClinVar:

NM_000202.8(IDS):c.397del (p.Val133fs)

Gene: IDS (iduronate 2-sulfatase; minus strand). Cytogenetic location: Xq28.
Variant type: Deletion.
Coding change: c.397del on transcript NM_000202.8 (MANE Select); coding-DNA position 397, one base deleted (G; older notation c.397delG).
Protein change: p.Val133fs; shifts the reading frame from valine 133.
Molecular consequence: frameshift variant. On other transcripts: non-coding transcript variant (1).
Genome position (GRCh38, 1-based): chrX:149,503,333, C deleted on the plus strand (G on the coding strand, the reverse complement: IDS is on the minus strand); the first of 2 consecutive C bases (chrX:149,503,333-149,503,334); deleting either gives the same sequence. VCF-style (leftmost placement, unchanged base first): chrX-149503332-AC-A. GRCh37 (hg19) VCF-style: chrX-148584862-AC-A.
Other names: c.127del, p.Val43fs (NM_001166550.4); c.397del, p.Val133fs (NM_006123.5); short protein forms V133fs, V43fs.
Identifiers: ClinVar variation 3255696 (VCV003255696.2).

ClinVar aggregate classification (germline): Pathogenic (1 of 4 stars; one submission).

Conditions:
Mucopolysaccharidosis, MPS-II (MPS2). Also called: Hunter Syndrome; IDURONATE 2-SULFATASE DEFICIENCY; Mucopolysaccharidosis Type II; Mucopolysaccharidosis type 2; Attenuated MPS (subtype; formerly known as mild MPS II); Severe MPS II. Identifiers: Orphanet 580, Orphanet 79388, MedGen C0026705, MONDO:0010674, OMIM 309900.

Submission:

Laboratory of Diagnosis and Therapy of Lysosomal Disorders, University of Padova
Classification: Pathogenic for Mucopolysaccharidosis, MPS-II. Last evaluated: 2024-06-07. Review status: criteria provided, single submitter. Criteria: ACMG Guidelines, 2015. Collection method: literature only. Allele origin: germline. Affected: yes. Observed: 1 variant allele.
Comment: Null variant (PVS1_VeryStrong), Absent from controls (or at low frequency) in gnomAD database (PM2_Moderate), Patient’s phenotype or family history highly specific for the disease (PP4_Strong)

Classification method: ACMG Guidelines [PMID:25741868] with modifications

Literature cited by the submitters: PubMed 9660053.